The following is an entry in ClinVar:

ClinVar aggregate classification (germline): Likely benign. Review status: criteria provided, multiple submitters, no conflicts (2 of 4 stars). 2 submissions from 2 submitters: Likely benign (2). Last evaluated 2025-12-23.

Conditions:
COL2A1-related disorder. Also called: COL2A1-related condition; COL2A1-related disorders.

Allele frequency attached by ClinVar (database versions not stated): gnomAD 0.00001.
gnomAD v4.1: 3 of 1,613,890 alleles (0.00019%); highest among the groups gnomAD compares: African/African-American, 0.0027%; no homozygotes.

Submissions (2):

PreventionGenetics, part of Exact Sciences
Classification: Likely benign for COL2A1-related condition. Last evaluated: 2025-12-23. Review status: criteria provided, single submitter. Criteria: ACMG Guidelines, 2015. Collection method: clinical testing. Allele origin: germline.
Comment: This variant is classified as likely benign based on ACMG/AMP sequence variant interpretation guidelines (Richards et al. 2015 PMID: 25741868, with internal and published modifications).

Labcorp Genetics (formerly Invitae), Labcorp
Classification: Likely benign. Last evaluated: 2023-10-03. Review status: criteria provided, single submitter. Criteria: Invitae Variant Classification Sherloc (09022015). Collection method: clinical testing. Allele origin: germline.

NM_001844.5(COL2A1):c.1681-5C>T

Gene: COL2A1 (collagen type II alpha 1 chain; minus strand). Cytogenetic location: 12q13.11.
Variant type: single nucleotide variant.
Coding change: c.1681-5C>T on transcript NM_001844.5 (MANE Select); 5 bases into the intron before coding-DNA position 1681, C replaced by T.
Molecular consequence: intron variant.
Genome position (GRCh38, 1-based): chr12:47,985,592, G>A on the plus strand (C>T on the coding strand, the complement: COL2A1 is on the minus strand). VCF-style: chr12-47985592-G-A. GRCh37 (hg19) VCF-style: chr12-48379375-G-A.
Other names: c.1474-5C>T (NM_033150.3); c.1681-5C>T (NM_001844.4).
Identifiers: ClinVar variation 2080827 (VCV002080827.5), dbSNP rs1028818348, ClinGen allele CA236527401.